The following is an entry in ClinVar:

NM_021625.5(TRPV4):c.1727C>A (p.Ala576Asp)

Gene: TRPV4 (transient receptor potential cation channel subfamily V member 4; minus strand). Cytogenetic location: 12q24.11.
Variant type: single nucleotide variant.
Coding change: c.1727C>A on transcript NM_021625.5 (MANE Select); coding-DNA position 1727, C replaced by A.
Protein change: p.Ala576Asp; replaces alanine 576 with aspartic acid.
Molecular consequence: missense variant.
Genome position (GRCh38, 1-based): chr12:109,792,749, G>T on the plus strand (C>A on the coding strand, the complement: TRPV4 is on the minus strand). VCF-style: chr12-109792749-G-T. GRCh37 (hg19) VCF-style: chr12-110230554-G-T.
Other names: c.1586C>A, p.Ala529Asp (NM_001177428.2); c.1625C>A, p.Ala542Asp (NM_001177431.2); c.1406C>A, p.Ala469Asp (NM_001177433.2); c.1547C>A, p.Ala516Asp (NM_147204.3); short protein forms A529D, A576D, A516D, A542D, A469D.
Identifiers: ClinVar variation 5005033 (VCV005005033.2).
Genomic context (GRCh38, chr12:109,792,749, plus strand): 5'-AGCCCACGGGTGAAGTAAAGGGCATTCATCCAGCCCAGGACCAGGGCAAAGACCATCACG[G>T]CCAGGTAGGCCTCGATCCCTGCCAGGTAGAGGGCTGCTGAGACGATCACCAGGACAGAGT-3'
Protein context (NP_067638.3, residues 566-586): LYLAGIEAYL[Ala576Asp]VMVFALVLGW

ClinVar aggregate classification (germline): Uncertain significance (1 of 4 stars; one submission).

Conditions:
Neuronopathy, distal hereditary motor, autosomal dominant 8. Also called: Autosomal dominant congenital benign spinal muscular atrophy; SPINAL MUSCULAR ATROPHY, CONGENITAL BENIGN, WITH CONTRACTURES; NEURONOPATHY, DISTAL HEREDITARY MOTOR, TYPE VIII; NEUROPATHY, DISTAL HEREDITARY MOTOR, TYPE VIII. Identifiers: Orphanet 1216, MedGen C1838492, MONDO:0010839, OMIM 600175.
Parastremmatic dwarfism. Identifiers: Orphanet 2646, MedGen C1868616, MONDO:0008196, OMIM 168400.
Metatropic dysplasia (MTD). Also called: Metatropic Dysplasia, TRPV4-Related; Metatropic dysplasia, nonlethal dominant; METATROPIC DWARFISM. Identifiers: Orphanet 2635, MedGen C0265281, MONDO:0007986, OMIM 156530.
Familial digital arthropathy-brachydactyly. Identifiers: Orphanet 85169, MedGen C1847406, MONDO:0011732, OMIM 606835.
Avascular necrosis of femoral head, primary, 2 (ANFH2). Identifiers: MedGen C4479260, MONDO:0054551, OMIM 617383.
Sodium serum level quantitative trait locus 1 (SSQTL1). Identifiers: MedGen C3150755, OMIM 613508.
Scapuloperoneal spinal muscular atrophy (SPSMA). Also called: AMYOTROPHY, NEUROGENIC SCAPULOPERONEAL, NEW ENGLAND TYPE; Scapuloperoneal Spinal Muscular Atrophy, TRPV4-Related; Scapuloperoneal Form of Spinal Muscular Atrophy; Scapuloperoneal spinal muscular atrophy, autosomal dominant. Identifiers: Orphanet 431255, MedGen C0751335, MONDO:0008408, OMIM 181405.
Spondyloepimetaphyseal dysplasia, Maroteaux type (SEDM). Also called: Spondyloepimetaphyseal Dysplasia, TRPV4-Related (Maroteaux Type); SED, MAROTEAUX TYPE; PSEUDO-MORQUIO SYNDROME, TYPE 2. Identifiers: Orphanet 263482, MedGen C3159322, MONDO:0008473, OMIM 184095.
Brachyrachia (short spine dysplasia) (BCYM3). Also called: BRACHYRACHIA; Brachyolmia, TRPV4-Related; Autosomal dominant brachyolmia; Brachyolmia Type 3. Identifiers: Orphanet 93304, MedGen C0432227, MONDO:0007232, OMIM 113500.
Charcot-Marie-Tooth disease axonal type 2C (HMSN2C). Also called: Charcot-Marie-Tooth Disease Type 2, TRPV4-Related (CMT2C); CHARCOT-MARIE-TOOTH DISEASE, AXONAL, AUTOSOMAL DOMINANT, TYPE 2C; Charcot-Marie-Tooth Neuropathy Type 2C. Identifiers: Orphanet 99937, MedGen C1853710, MONDO:0011633, OMIM 606071.
Spondylometaphyseal dysplasia, Kozlowski type (SMDK). Also called: Spondylometaphyseal Dysplasia, TRPV4-Related (Kozlowski Type); Dysmorphism arthrogryposis skeletal maturation advanced; Jequier-Kozlowski syndrome; Skeletal dysplasia Jequier-Kozlowski type; SMD Kozlowski type. Identifiers: Orphanet 93314, MedGen C0265280, MONDO:0008477, OMIM 184252.

Submission:

Juno Genomics, Hangzhou Juno Genomics, Inc
Classification: Uncertain significance for Scapuloperoneal spinal muscular atrophy; Spondyloepimetaphyseal dysplasia, Maroteaux type; Spondylometaphyseal dysplasia, Kozlowski type; Neuronopathy, distal hereditary motor, autosomal dominant 8; Avascular necrosis of femoral head, primary, 2; Sodium serum level quantitative trait locus 1; Brachyrachia (short spine dysplasia); Familial digital arthropathy-brachydactyly; Charcot-Marie-Tooth disease axonal type 2C; Metatropic dysplasia; Parastremmatic dwarfism. Review status: criteria provided, single submitter. Criteria: ACMG Guidelines, 2015. Collection method: clinical testing. Allele origin: germline.
Comment: Absent from controls (or at extremely low frequency if recessive) in Genome Aggregation Database.;Missense variant in a gene that has a low rate of benign missense variation.;Multiple lines of computational evidence support a deleterious effect on the gene or gene product.